The following is an entry in ClinVar:

NM_000535.7(PMS2):c.1201G>A (p.Asp401Asn)

Gene: PMS2 (PMS1 homolog 2, mismatch repair system component; minus strand). Cytogenetic location: 7p22.1.
Variant type: single nucleotide variant.
Coding change: c.1201G>A on transcript NM_000535.7 (MANE Select); coding-DNA position 1201, G replaced by A.
Protein change: p.Asp401Asn; replaces aspartic acid 401 with asparagine.
Molecular consequence: missense variant. On other transcripts: non-coding transcript variant (1).
Genome position (GRCh38, 1-based): chr7:5,987,564, C>T on the plus strand (G>A on the coding strand, the complement: PMS2 is on the minus strand). VCF-style: chr7-5987564-C-T. GRCh37 (hg19) VCF-style: chr7-6027195-C-T.
Other names: c.796G>A, p.Asp266Asn (NM_001322003.2, NM_001322004.2, NM_001322005.2 and 1 more transcripts); c.1045G>A, p.Asp349Asn (NM_001322006.2); c.883G>A, p.Asp295Asn (NM_001322007.2, NM_001322008.2); c.640G>A, p.Asp214Asn (NM_001322010.2); c.268G>A, p.Asp90Asn (NM_001322011.2, NM_001322012.2); c.628G>A, p.Asp210Asn (NM_001322013.2); c.1201G>A, p.Asp401Asn (NM_001322014.2); c.892G>A, p.Asp298Asn (NM_001322015.2); short protein forms D401N, D214N, D266N, D298N, D210N, D90N, D295N, D349N.
Identifiers: ClinVar variation 573960 (VCV000573960.19), dbSNP rs1284362486, ClinGen allele CA366742579.

ClinVar aggregate classification (germline): Conflicting classifications of pathogenicity. Review status: criteria provided, conflicting classifications (1 of 4 stars). 4 submissions from 4 submitters: Uncertain significance (2); Likely benign (1). 1 of the submissions does not count toward it. Last evaluated 2026-08-06.

Conditions:
Hereditary nonpolyposis colorectal neoplasms. Identifiers: MedGen C0009405, MeSH D003123.
Malignant tumor of breast. Also called: Malignant breast neoplasm; Cancer breast. Identifiers: MedGen C0006142, MONDO:0007254. Disease mechanism: loss of function.
Hereditary cancer-predisposing syndrome. Also called: Neoplastic Syndromes, Hereditary; Hereditary Cancer Syndrome; Hereditary neoplastic syndrome; Tumor predisposition. Identifiers: Orphanet 140162, MedGen C0027672, MeSH D009386, MONDO:0015356.

Allele frequency attached by ClinVar (database versions not stated): gnomAD exomes below 0.00001; TOPMed 0.00003.
gnomAD v4.1: 2 of 1,613,358 alleles (0.00012%); highest among the groups gnomAD compares: East Asian, 0.0045%; no homozygotes.

Submissions (4):

Ambry Genetics
Classification: Likely benign for Hereditary cancer-predisposing syndrome. Last evaluated: 2026-08-06. Review status: criteria provided, single submitter. Criteria: Ambry Variant Classification Scheme 2023. Collection method: clinical testing. Allele origin: germline.

Color Diagnostics, LLC DBA Color Health
Classification: Uncertain significance for Hereditary cancer-predisposing syndrome. Last evaluated: 2025-09-18. Review status: criteria provided, single submitter. Criteria: ACMG Guidelines, 2015. Collection method: clinical testing. Allele origin: germline.
Comment: This missense variant replaces aspartic acid with asparagine at codon 401 of the PMS2 protein. Computational prediction suggests that this variant may not impact protein structure and function. To our knowledge, functional studies have not been reported for this variant. This variant has not been reported in individuals affected with PMS2-related disorders in the literature. This variant has been identified in 1/249202 chromosomes in the general population by the Genome Aggregation Database (gnomAD). The available evidence is insufficient to determine the role of this variant in disease conclusively. Therefore, this variant is classified as a Variant of Uncertain Significance.

Labcorp Genetics (formerly Invitae), Labcorp
Classification: Uncertain significance for Hereditary nonpolyposis colorectal neoplasms. Last evaluated: 2025-09-10. Review status: criteria provided, single submitter. Criteria: Invitae Variant Classification Sherloc (09022015). Collection method: clinical testing. Allele origin: germline.
Comment: This sequence change replaces aspartic acid, which is acidic and polar, with asparagine, which is neutral and polar, at codon 401 of the PMS2 protein (p.Asp401Asn). This variant is present in population databases (no rsID available, gnomAD 0.006%). This variant has not been reported in the literature in individuals affected with PMS2-related conditions. ClinVar contains an entry for this variant (Variation ID: 573960). Invitae Evidence Modeling incorporating data from in vitro experimental studies (internal data) indicates that this missense variant is not expected to disrupt PMS2 function with a negative predictive value of 95%. In summary, the available evidence is currently insufficient to determine the role of this variant in disease. Therefore, it has been classified as a Variant of Uncertain Significance.

Department of Pathology and Laboratory Medicine, Sinai Health System
Classification: Uncertain significance for Malignant tumor of breast. Review status: no assertion criteria provided. Collection method: clinical testing. Allele origin: unknown. Affected: yes. Study: The Canadian Open Genetics Repository (COGR). Not counted in ClinVar's aggregate classification.
Comment: The PMS2 p.Asp401Asn variant was not identified in the literature. The variant was identified in dbSNP (rs1284362486) as â€šÃ„ÃºNAâ€šÃ„Ã¹ and ClinVar (classified as uncertain significance by Invitae). The variant was identified in control databases in 1 of 249,202 chromosomes at a frequency of 0.000004 (Genome Aggregation Database Feb 27, 2017). The variant was observed in the East Asian population in 1 of 18,374 chromosomes (freq: 0.00005); it was not observed in the African, Latino, Ashkenazi Jewish, Finnish, European, Other or South Asian populations. The p.Asp401 residue is not conserved in mammals and computational analyses (PolyPhen-2, SIFT, AlignGVGD, BLOSUM, MutationTaster) do not suggest a high likelihood of impact to the protein; however, this information is not predictive enough to rule out pathogenicity. The variant occurs outside of the splicing consensus sequence and in silico or computational prediction software programs (SpliceSiteFinder, MaxEntScan, NNSPLICE, GeneSplicer) do not predict a difference in splicing. In summary, based on the above information, the clinical significance of this variant cannot be determined with certainty at this time. This variant is classified as a variant of uncertain significance.